The following is an entry in ClinVar:

NM_014991.6(WDFY3):c.4363C>G (p.Gln1455Glu)

Gene: WDFY3 (WD repeat and FYVE domain containing 3; minus strand). Cytogenetic location: 4q21.23.
Variant type: single nucleotide variant.
Coding change: c.4363C>G on transcript NM_014991.6 (MANE Select); coding-DNA position 4363, C replaced by G.
Protein change: p.Gln1455Glu; replaces glutamine 1455 with glutamic acid.
Molecular consequence: missense variant.
Genome position (GRCh38, 1-based): chr4:84,780,110, G>C on the plus strand (C>G on the coding strand, the complement: WDFY3 is on the minus strand). VCF-style: chr4-84780110-G-C. GRCh37 (hg19) VCF-style: chr4-85701263-G-C.
Other names: short protein forms Q1455E.
Identifiers: ClinVar variation 3368550 (VCV003368550.1).

ClinVar aggregate classification (germline): Uncertain significance (1 of 4 stars; one submission).

Submission:

GeneDx
Classification: Uncertain significance. Last evaluated: 2024-02-01. Review status: criteria provided, single submitter. Criteria: GeneDx Variant Classification Process June 2021. Collection method: clinical testing. Allele origin: germline. Affected: yes.
Comment: Not observed at significant frequency in large population cohorts (gnomAD); In silico analysis supports that this missense variant has a deleterious effect on protein structure/function; Has not been previously published as pathogenic or benign to our knowledge